The following is an entry in ClinVar:

ClinVar aggregate classification (germline): Pathogenic (1 of 4 stars; one submission).

Conditions:
Neuromuscular disorder, congenital, with dysmorphic facies. Identifiers: MedGen C5935643, MONDO:0958332, OMIM 620775.

gnomAD v4.1: 1 of 1,613,964 alleles (0.000062%); highest among the groups gnomAD compares: African/African-American, 0.0013%; no homozygotes.

Submission:

3billion
Classification: Pathogenic for Neuromuscular disorder, congenital, with dysmorphic facies. Last evaluated: 2024-09-05. Review status: criteria provided, single submitter. Criteria: ACMG Guidelines, 2015. Collection method: clinical testing. Allele origin: germline. Affected: yes.
Comment: The variant is observed at an extremely low frequency in the gnomAD v4.0.0 dataset (total allele frequency: <0.001%). Predicted Consequence/Location: Stop-gained (nonsense): predicted to result in a loss or disruption of normal protein function through nonsense-mediated decay (NMD) or protein truncation. Multiple pathogenic variants are reported downstream of the variant. Therefore, this variant is classified as Pathogenic according to the recommendation of ACMG/AMP guideline.

NM_015687.5(FILIP1):c.1039G>T (p.Glu347Ter)

Gene: FILIP1 (filamin A interacting protein 1; minus strand). Cytogenetic location: 6q14.1.
Variant type: single nucleotide variant.
Coding change: c.1039G>T on transcript NM_015687.5 (MANE Select); coding-DNA position 1039, G replaced by T.
Protein change: p.Glu347Ter; replaces glutamic acid 347 with a stop codon.
Molecular consequence: nonsense.
Genome position (GRCh38, 1-based): chr6:75,314,793, C>A on the plus strand (G>T on the coding strand, the complement: FILIP1 is on the minus strand). VCF-style: chr6-75314793-C-A. GRCh37 (hg19) VCF-style: chr6-76024509-C-A.
Other names: c.1048G>T, p.Glu350Ter (NM_001289987.3); c.1039G>T, p.Glu347Ter (NM_001300866.3); short protein forms E347*, E350*.
Identifiers: ClinVar variation 4293894 (VCV004293894.1).
Genomic context (GRCh38, chr6:75,314,793, plus strand): 5'-CAATTTTATCTCTTAATTCTTGAAGTTCTTCCTCTGCCTTCTGCAGATTTTTGTTGGTCT[C>A]TTCTAGCTCCTCGATTCTTTGGGTTAAGCCAACCAGCTTGAGTCTAAGTTGCCTATTGTG-3'